The following is an entry in ClinVar:

NM_000179.3(MSH6):c.2217A>G (p.Thr739=)

Gene: MSH6 (mutS homolog 6; plus strand). Cytogenetic location: 2p16.3.
Variant type: single nucleotide variant.
Coding change: c.2217A>G on transcript NM_000179.3 (MANE Select); coding-DNA position 2217, A replaced by G.
Protein change: p.Thr739=; no amino-acid change (threonine 739 retained).
Molecular consequence: synonymous variant.
Genome position (GRCh38, 1-based): chr2:47,800,200, A>G. VCF-style: chr2-47800200-A-G. GRCh37 (hg19) VCF-style: chr2-48027339-A-G.
Other names: c.1827A>G, p.Thr609= (NM_001281492.2); c.1311A>G, p.Thr437= (NM_001281493.2, NM_001281494.2).
Identifiers: ClinVar variation 230987 (VCV000230987.19), dbSNP rs876658887, ClinGen allele CA10578099.

ClinVar aggregate classification (germline): Benign/Likely benign. Review status: criteria provided, multiple submitters, no conflicts (2 of 4 stars). 7 submissions from 7 submitters: Benign (1); Likely benign (6). Last evaluated 2026-01-16.

Conditions:
Hereditary cancer-predisposing syndrome. Also called: Neoplastic Syndromes, Hereditary; Tumor predisposition; Hereditary Cancer Syndrome; Hereditary neoplastic syndrome. Identifiers: Orphanet 140162, MedGen C0027672, MeSH D009386, MONDO:0015356.
Hereditary nonpolyposis colorectal neoplasms. Identifiers: MedGen C0009405, MeSH D003123.
Lynch syndrome. Identifiers: Orphanet 144, MedGen C4552100, MONDO:0005835. Disease mechanism: loss of function.
Lynch syndrome 5 (LYNCH5). Also called: Colorectal cancer, hereditary nonpolyposis, type 5; Hereditary non-polyposis colorectal cancer, type 5. Identifiers: Orphanet 144, MedGen C1833477, MONDO:0013710, OMIM 614350. Disease mechanism: loss of function.

Allele frequency attached by ClinVar (database versions not stated): gnomAD exomes below 0.00001.

Submissions (7):

Labcorp Genetics (formerly Invitae), Labcorp
Classification: Likely benign for Hereditary nonpolyposis colorectal neoplasms. Last evaluated: 2026-01-16. Review status: criteria provided, single submitter. Criteria: Invitae Variant Classification Sherloc (09022015). Collection method: clinical testing. Allele origin: germline.

Myriad Genetics, Inc.
Classification: Benign for Lynch syndrome 5. Last evaluated: 2024-12-30. Review status: criteria provided, single submitter. Criteria: Myriad Autosomal Dominant, Autosomal Recessive and X-Linked Classification Criteria (2023). Collection method: clinical testing. Allele origin: unknown.
Comment: This variant is considered benign. This variant is a silent/synonymous amino acid change and it is not expected to impact splicing.

All of Us Research Program, National Institutes of Health
Classification: Likely benign for Lynch syndrome. Last evaluated: 2023-02-15. Review status: criteria provided, single submitter. Criteria: ACMG Guidelines, 2015. Collection method: clinical testing. Allele origin: germline. Inheritance: Autosomal dominant inheritance. Observed: 1 variant allele, 1 heterozygote.
Comment: This study involves interpretation of variants in research participants for the purpose of population health screening. Participant phenotype was not available at the time of variant classification. Additional details can be found in publication PMID: 35346344, PMCID: PMC8962531

Color Diagnostics, LLC DBA Color Health
Classification: Likely benign for Hereditary cancer-predisposing syndrome. Last evaluated: 2022-11-06. Review status: criteria provided, single submitter. Criteria: ACMG Guidelines, 2015. Collection method: clinical testing. Allele origin: germline.

Sema4
Classification: Likely benign for Hereditary cancer-predisposing syndrome. Last evaluated: 2021-01-26. Review status: criteria provided, single submitter. Criteria: Sema4 Curation Guidelines. Collection method: curation. Allele origin: germline.

GeneDx
Classification: Likely benign. Last evaluated: 2016-06-28. Review status: criteria provided, single submitter. Criteria: GeneDx Variant Classification (06012015). Collection method: clinical testing. Allele origin: germline. Affected: yes.
Comment: This variant is considered likely benign or benign based on one or more of the following criteria: it is a conservative change, it occurs at a poorly conserved position in the protein, it is predicted to be benign by multiple in silico algorithms, and/or has population frequency not consistent with disease.

Ambry Genetics
Classification: Likely benign for Hereditary cancer-predisposing syndrome. Last evaluated: 2015-03-19. Review status: criteria provided, single submitter. Criteria: Ambry Variant Classification Scheme 2023. Collection method: clinical testing. Allele origin: germline.